The following is an entry in ClinVar:

ClinVar aggregate classification (germline): Conflicting classifications of pathogenicity. Review status: criteria provided, conflicting classifications (1 of 4 stars). 16 submissions from 12 submitters: Uncertain significance (10); Likely benign (6). Last evaluated 2026-09-01.

Conditions:
Dilated cardiomyopathy 1G (CMD1G). Identifiers: Orphanet 154, MedGen C1858763, MONDO:0011400, OMIM 604145.
Autosomal recessive limb-girdle muscular dystrophy type 2J (LGMDR10). Also called: MUSCULAR DYSTROPHY, LIMB-GIRDLE, AUTOSOMAL RECESSIVE 10; Limb-girdle muscular dystrophy, type 2J. Identifiers: Orphanet 140922, MedGen C1837342, MONDO:0012127, OMIM 608807.
TTN-related disorder. Also called: TTN-related disorders; TTN-related condition; TTN-related disease.
Cardiovascular phenotype. Identifiers: MedGen CN230736.
Cardiomyopathy (CMYO). Also called: Cardiomyopathies. Identifiers: Orphanet 167848, MedGen C0878544, MONDO:0004994, HP:0001638. Inheritance: Various modes of inheritance.
Myopathy, myofibrillar, 9, with early respiratory failure (MFM9). Also called: Myopathy, distal, with early respiratory failure, autosomal dominant; Hereditary myopathy with early respiratory failure; MYOPATHY, PROXIMAL, WITH EARLY RESPIRATORY MUSCLE INVOLVEMENT; EDSTROM MYOPATHY. Identifiers: Orphanet 178464, Orphanet 34521, MedGen C1863599, MONDO:0011362, OMIM 603689.
Early-onset myopathy with fatal cardiomyopathy (CMYO5). Also called: CONGENITAL MYOPATHY 5 WITH CARDIOMYOPATHY; Salih Myopathy. Identifiers: Orphanet 289377, MedGen C2673677, MONDO:0012714, OMIM 611705. Disease mechanism: loss of function.
Tibial muscular dystrophy (TMD). Also called: Udd Distal Myopathy – Tibial Muscular Dystrophy; Tibial muscular dystrophy, tardive; UDD MYOPATHY. Identifiers: Orphanet 609, MedGen C1838244, MONDO:0010870, OMIM 600334.

Allele frequency attached by ClinVar (database versions not stated): 1000 Genomes Project 30x 0.00047; TOPMed 0.00018; gnomAD 0.00029; 1000 Genomes Project 0.00060; ESP Exome Variant Server 0.00008.
gnomAD v4.1: 293 of 1,614,128 alleles (0.018%); highest among the groups gnomAD compares: Middle Eastern, 0.12%; no homozygotes.

Submissions (16):

CeGaT Center for Human Genetics Tuebingen
Classification: Uncertain significance. Last evaluated: 2026-09-01. Review status: criteria provided, single submitter. Criteria: CeGaT Center For Human Genetics Tuebingen Variant Classification Criteria Version 2. Collection method: clinical testing. Allele origin: germline. Affected: yes. Observed: 2 variant alleles.
Comment: TTN: PM2, BP4

PreventionGenetics, part of Exact Sciences
Classification: Uncertain significance for TTN-related condition. Last evaluated: 2025-12-04. Review status: criteria provided, single submitter. Criteria: ACMG Guidelines, 2015. Collection method: clinical testing. Allele origin: germline.
Comment: The TTN c.2686G>A variant is predicted to result in the amino acid substitution p.Val896Ile. To our knowledge, this variant has not been reported in the literature. This variant is reported in 0.056% of alleles in individuals of South Asian descent in gnomAD. Although we suspect that this variant may be benign, at this time, the clinical significance of this variant is uncertain due to the absence of conclusive functional and genetic evidence.

Women's Health and Genetics/Laboratory Corporation of America, LabCorp
Classification: Likely benign. Last evaluated: 2024-12-09. Review status: criteria provided, single submitter. Criteria: LabCorp Variant Classification Summary - May 2015. Collection method: clinical testing. Allele origin: germline.
Comment: Variant summary: TTN c.2686G>A (p.Val896Ile) results in a conservative amino acid change in the encoded protein sequence. Three of three in-silico tools predict a benign effect of the variant on protein function. The variant allele was found at a frequency of 0.0002 in 251120 control chromosomes, predominantly at a frequency of 0.00056 within the South Asian subpopulation in the gnomAD database. The observed variant frequency within South Asian control individuals in the gnomAD database is approximately 1.43 fold of the estimated maximal expected allele frequency for a pathogenic variant in TTN causing Dilated Cardiomyopathy phenotype (0.00039). To our knowledge, no occurrence of c.2686G>A in individuals affected with TTN-related conditions and no experimental evidence demonstrating its impact on protein function have been reported. ClinVar contains an entry for this variant (Variation ID: 46839). Based on the evidence outlined above, the variant was classified as likely benign.

Mayo Clinic Laboratories, Mayo Clinic
Classification: Uncertain significance. Last evaluated: 2023-11-27. Review status: criteria provided, single submitter. Criteria: ACMG Guidelines, 2015. Collection method: clinical testing. Allele origin: germline. Observed: 1 variant allele.
Comment: BP4

Revvity Omics, Revvity
Classification: Uncertain significance. Last evaluated: 2023-10-10. Review status: criteria provided, single submitter. Criteria: ACMG Guidelines, 2015. Collection method: clinical testing. Allele origin: germline.

Ambry Genetics
Classification: Likely benign for Cardiovascular phenotype. Last evaluated: 2019-03-19. Review status: criteria provided, single submitter. Criteria: Ambry Variant Classification Scheme 2023. Collection method: clinical testing. Allele origin: germline.

GeneDx
Classification: Likely benign. Last evaluated: 2018-03-12. Review status: criteria provided, single submitter. Criteria: GeneDx Variant Classification (06012015). Collection method: clinical testing. Allele origin: germline. Affected: yes.
Comment: This variant is considered likely benign or benign based on one or more of the following criteria: it is a conservative change, it occurs at a poorly conserved position in the protein, it is predicted to be benign by multiple in silico algorithms, and/or has population frequency not consistent with disease.

Illumina Laboratory Services, Illumina
Classification: Uncertain significance for Dilated cardiomyopathy 1G. Last evaluated: 2017-04-27. Review status: criteria provided, single submitter. Criteria: ICSL Variant Classification Criteria 13 December 2019. Collection method: clinical testing. Allele origin: germline.

Illumina Laboratory Services, Illumina
Classification: Likely benign for Myopathy, myofibrillar, 9, with early respiratory failure. Last evaluated: 2017-04-27. Review status: criteria provided, single submitter. Criteria: ICSL Variant Classification Criteria 13 December 2019. Collection method: clinical testing. Allele origin: germline.
Comment: This variant was observed as part of a predisposition screen in an ostensibly healthy population. A literature search was performed for the gene, cDNA change, and amino acid change (where applicable). No publications were found based on this search. Allele frequency data from public databases allowed determination this variant is unlikely to cause disease. Therefore, this variant is classified as likely benign.

Illumina Laboratory Services, Illumina
Classification: Likely benign for Tibial muscular dystrophy. Last evaluated: 2017-04-27. Review status: criteria provided, single submitter. Criteria: ICSL Variant Classification Criteria 13 December 2019. Collection method: clinical testing. Allele origin: germline.
Comment: the same text as in the submission from Illumina Laboratory Services, Illumina above.

Illumina Laboratory Services, Illumina
Classification: Uncertain significance for Autosomal recessive limb-girdle muscular dystrophy type 2J. Last evaluated: 2017-04-27. Review status: criteria provided, single submitter. Criteria: ICSL Variant Classification Criteria 13 December 2019. Collection method: clinical testing. Allele origin: germline.

Illumina Laboratory Services, Illumina
Classification: Uncertain significance for Early-onset myopathy with fatal cardiomyopathy. Last evaluated: 2017-04-27. Review status: criteria provided, single submitter. Criteria: ICSL Variant Classification Criteria 13 December 2019. Collection method: clinical testing. Allele origin: germline.

Labcorp Genetics (formerly Invitae), Labcorp
Classification: Uncertain significance for Dilated cardiomyopathy 1G; Autosomal recessive limb-girdle muscular dystrophy type 2J. Last evaluated: 2016-09-03. Review status: criteria provided, single submitter. Criteria: Invitae Variant Classification Sherloc (09022015). Collection method: clinical testing. Allele origin: germline.

Eurofins Ntd Llc (ga)
Classification: Uncertain significance. Last evaluated: 2015-12-22. Review status: criteria provided, single submitter. Criteria: EGL Classification Definitions 2015. Collection method: clinical testing. Allele origin: germline. Observed: 1 variant allele, 1 heterozygote.

CHEO Genetics Diagnostic Laboratory, Children's Hospital of Eastern Ontario
Classification: Uncertain significance for Cardiomyopathy. Last evaluated: 2015-10-05. Review status: criteria provided, single submitter. Criteria: ACMG Guidelines, 2015. Collection method: clinical testing. Allele origin: germline. Study: Canadian Open Genetics Repository.

Laboratory for Molecular Medicine, Mass General Brigham Personalized Medicine
Classification: Likely benign. Last evaluated: 2015-07-23. Review status: criteria provided, single submitter. Criteria: LMM Criteria. Collection method: clinical testing. Allele origin: germline. Observed: 4 variant alleles.
Comment: p.Val896Ile in exon 16 of TTN: This variant is not expected to have clinical sig nificance due to a lack of conservation across species, including mammals. Of no te, several mammals have isoleucine (Ile) at this position despite high nearby a mino acid conservation. This variant has been identified in 8/16510 South Asian chromosomes and 5/10404 African chromosomes by the Exome Aggregation Consortium (ExAC; dbSNP rs376768790).

NM_001267550.2(TTN):c.2686G>A (p.Val896Ile)

Gene: TTN (titin; minus strand). Cytogenetic location: 2q31.2.
Variant type: single nucleotide variant.
Coding change: c.2686G>A on transcript NM_001267550.2 (MANE Select); coding-DNA position 2686, G replaced by A.
Protein change: p.Val896Ile; replaces valine 896 with isoleucine.
Molecular consequence: missense variant.
Genome position (GRCh38, 1-based): chr2:178,784,159, C>T on the plus strand (G>A on the coding strand, the complement: TTN is on the minus strand). VCF-style: chr2-178784159-C-T. GRCh37 (hg19) VCF-style: chr2-179648886-C-T.
Other names: p.V896I:GTT>ATT; c.2686G>A, p.Val896Ile (NM_001256850.1, NM_133378.4, NM_133379.5); c.2548G>A, p.Val850Ile (NM_003319.4, NM_133432.3, NM_133437.4); short protein forms V896I, V850I.
Identifiers: ClinVar variation 46839 (VCV000046839.58), dbSNP rs376768790, ClinGen allele CA139318.